The following is an entry in ClinVar:

ClinVar aggregate classification (germline): Uncertain significance (1 of 4 stars; one submission).

Conditions:
Cohen syndrome (COH1). Also called: PEPPER SYNDROME; Cutis verticis gyrata, retinitis pigmentosa, and sensorineural deafness. Identifiers: Orphanet 193, MedGen C0265223, MONDO:0008999, OMIM 216550.

Submission:

Labcorp Genetics (formerly Invitae), Labcorp
Classification: Uncertain significance for Cohen syndrome. Last evaluated: 2019-12-06. Review status: criteria provided, single submitter. Criteria: Invitae Variant Classification Sherloc (09022015). Collection method: clinical testing. Allele origin: germline.
Comment: This variant is not present in population databases (ExAC no frequency). In summary, the available evidence is currently insufficient to determine the role of this variant in disease. Therefore, it has been classified as a Variant of Uncertain Significance. Algorithms developed to predict the effect of missense changes on protein structure and function are either unavailable or do not agree on the potential impact of this missense change (SIFT: "Not Available"; PolyPhen-2: "Benign"; Align-GVGD: "Class Not Available"). This variant has not been reported in the literature in individuals with VPS13B-related conditions. This sequence change replaces glutamine with arginine at codon 323 of the VPS13B protein (p.Gln323Arg). The glutamine residue is weakly conserved and there is a small physicochemical difference between glutamine and arginine.

NM_152564.5(VPS13B):c.968A>G (p.Gln323Arg)

Gene: VPS13B (vacuolar protein sorting 13 homolog B; plus strand). Cytogenetic location: 8q22.2.
Variant type: single nucleotide variant.
Coding change: c.968A>G on transcript NM_152564.5 (MANE Select); coding-DNA position 968, A replaced by G.
Protein change: p.Gln323Arg; replaces glutamine 323 with arginine.
Molecular consequence: missense variant. On other transcripts: non-coding transcript variant (1).
Genome position (GRCh38, 1-based): chr8:99,121,207, A>G. VCF-style: chr8-99121207-A-G. GRCh37 (hg19) VCF-style: chr8-100133435-A-G.
Other names: c.968A>G, p.Gln323Arg (NM_015243.3, NM_017890.5, NM_181661.3); short protein forms Q323R.
Identifiers: ClinVar variation 863202 (VCV000863202.8), dbSNP rs1847916430, ClinGen allele CA371860816.
Genomic context (GRCh38, chr8:99,121,207, plus strand): 5'-TATTTAAAATGACTTAATTTTAATTGATAGGTTCTGAAGATGAAACAAGAATAGATATGC[A>G]ATATCCTGCTCAGCATAAAGGTCAAGAGTTATATTCACAGCAAGATGAGGAGCAGCCACA-3'
Protein context (NP_689777.3, residues 313-333): GSEDETRIDM[Gln323Arg]YPAQHKGQEL